The following is an entry in ClinVar:

ClinVar aggregate classification (germline): Uncertain significance (1 of 4 stars; one submission).

Allele frequency attached by ClinVar (database versions not stated): TOPMed below 0.00001.

Submission:

Labcorp Genetics (formerly Invitae), Labcorp
Classification: Uncertain significance. Last evaluated: 2024-02-24. Review status: criteria provided, single submitter. Criteria: Invitae Variant Classification Sherloc (09022015). Collection method: clinical testing. Allele origin: germline.
Comment: This sequence change replaces leucine, which is neutral and non-polar, with histidine, which is basic and polar, at codon 469 of the ALDH3A2 protein (p.Leu469His). This variant is not present in population databases (gnomAD no frequency). This variant has not been reported in the literature in individuals affected with ALDH3A2-related conditions. ClinVar contains an entry for this variant (Variation ID: 1475416). Advanced modeling of protein sequence and biophysical properties (such as structural, functional, and spatial information, amino acid conservation, physicochemical variation, residue mobility, and thermodynamic stability) performed at Invitae indicates that this missense variant is not expected to disrupt ALDH3A2 protein function with a negative predictive value of 80%. In summary, the available evidence is currently insufficient to determine the role of this variant in disease. Therefore, it has been classified as a Variant of Uncertain Significance.

NM_000382.3(ALDH3A2):c.1406T>A (p.Leu469His)

Gene: ALDH3A2 (aldehyde dehydrogenase 3 family member A2; plus strand). Cytogenetic location: 17p11.2.
Variant type: single nucleotide variant.
Coding change: c.1406T>A on transcript NM_000382.3 (MANE Select); coding-DNA position 1406, T replaced by A.
Protein change: p.Leu469His; replaces leucine 469 with histidine.
Molecular consequence: missense variant. On other transcripts: intron variant (1).
Genome position (GRCh38, 1-based): chr17:19,671,919, T>A. VCF-style: chr17-19671919-T-A. GRCh37 (hg19) VCF-style: chr17-19575232-T-A.
Other names: c.1406T>A, p.Leu469His (NM_001031806.2, NM_001369136.1, NM_001369137.2 and 2 more transcripts); c.827T>A, p.Leu276His (NM_001369148.2); c.1208-3639T>A (NM_001369146.2); short protein forms L469H, L276H.
Identifiers: ClinVar variation 1475416 (VCV001475416.7), dbSNP rs2085120866, ClinGen allele CA398711019.